The following is an entry in ClinVar:

ClinVar aggregate classification (germline): Pathogenic/Likely pathogenic. Review status: criteria provided, multiple submitters, no conflicts (2 of 4 stars). 9 submissions from 9 submitters: Pathogenic (5); Likely pathogenic (1). 3 of the submissions do not count toward it. Last evaluated 2025-09-22.

Conditions:
Rolandic epilepsy-paroxysmal exercise-induced dystonia-writer's cramp syndrome. Also called: TBC1D24-Related Rolandic Epilepsy with Paroxysmal Exercise-Induced Dystonia and Writer's Cramp (EPRPDC); RE-PED-WC. Identifiers: Orphanet 163727, MedGen C1842531, MONDO:0011970, OMIM 608105.
Epilepsy. Also called: Seizure disorder. Identifiers: MedGen C0014544, MeSH D004827, MONDO:0005027.
TBC1D24-related disorder. Also called: TBC1D24-related condition; TBC1D24-related disorders. Identifiers: MedGen CN381194.
Developmental and epileptic encephalopathy, 1 (DEE1). Also called: X-linked infantile spasms; West's syndrome; Tonic spasms with clustering, arrest of psychomotor development and hypsarrhythmia on EEG; X-Linked Infantile Spasm Syndrome; OHTAHARA SYNDROME, X-LINKED; INFANTILE SPASM SYNDROME, X-LINKED 1. Identifiers: MedGen C3463992, MONDO:0010632, OMIM 308350. Disease mechanism: loss of function.
Autosomal dominant nonsyndromic hearing loss 65. Also called: Deafness, autosomal dominant 65; TBC1D24-Related Autosomal Dominant Nonsyndromic Hearing Loss (DFNA). Identifiers: Orphanet 90635, MedGen C3892048, MONDO:0014470, OMIM 616044.

Allele frequency attached by ClinVar (database versions not stated): gnomAD 0.00002 and 0.00004; gnomAD exomes 0.00003; TOPMed 0.00003; 1000 Genomes Project 30x 0.00016; 1000 Genomes Project 0.00020.
gnomAD v4.1: 16 of 1,579,916 alleles (0.001%); highest among the groups gnomAD compares: East Asian, 0.023%; no homozygotes.

Submissions (9):

3billion
Classification: Pathogenic for TBC1D24-related disorder. Last evaluated: 2025-09-22. Review status: criteria provided, single submitter. Criteria: ACMG Guidelines, 2015. Collection method: clinical testing. Allele origin: germline. Affected: yes.
Comment: The variant is observed at an extremely low frequency in the gnomAD v4.1.0 dataset (total allele frequency: 0.001%). Predicted Consequence/Location: Missense variant Damaging effect on gene or gene product predicted by in silico programs is uncertain [3Cnet: 0.42 (damaging >0.75, benign <0.1)]. The same nucleotide change resulting in the same amino acid change has been previously reported as pathogenic/likely pathogenic with strong evidence (ClinVar ID: VCV000419296 /PMID: 27281533 /3billion dataset). The variant has been reported to be in trans with a pathogenic variant as either compound heterozygous or homozygous in at least 4 similarly affected unrelated individuals (PMID: 30108545, 31112829, 31257402, 33333793). A different missense change at the same codon (p.Ala500Gly) has been reported to be associated with TBC1D24-related disorder (ClinVar ID: VCV002162152). Therefore, this variant is classified as Pathogenic according to the recommendation of ACMG/AMP guideline.

Labcorp Genetics (formerly Invitae), Labcorp
Classification: Pathogenic for Developmental and epileptic encephalopathy, 1; Autosomal dominant nonsyndromic hearing loss 65. Last evaluated: 2024-09-24. Review status: criteria provided, single submitter. Criteria: Invitae Variant Classification Sherloc (09022015). Collection method: clinical testing. Allele origin: germline.
Comment: This sequence change replaces alanine, which is neutral and non-polar, with valine, which is neutral and non-polar, at codon 500 of the TBC1D24 protein (p.Ala500Val). The frequency data for this variant in the population databases is considered unreliable, as metrics indicate poor data quality at this position in the gnomAD database. This missense change has been observed in individual(s) with clinical features of DOORS syndrome (PMID: 27281533, 30108545, 31112829, 31257402). In at least one individual the data is consistent with being in trans (on the opposite chromosome) from a pathogenic variant. ClinVar contains an entry for this variant (Variation ID: 419296). Invitae Evidence Modeling of protein sequence and biophysical properties (such as structural, functional, and spatial information, amino acid conservation, physicochemical variation, residue mobility, and thermodynamic stability) indicates that this missense variant is not expected to disrupt TBC1D24 protein function with a negative predictive value of 80%. For these reasons, this variant has been classified as Pathogenic.

Women's Health and Genetics/Laboratory Corporation of America, LabCorp
Classification: Pathogenic for TBC1D24-Related Disorders. Last evaluated: 2023-11-15. Review status: criteria provided, single submitter. Criteria: LabCorp Variant Classification Summary - May 2015. Collection method: clinical testing. Allele origin: germline.
Comment: Variant summary: TBC1D24 c.1499C>T (p.Ala500Val) results in a non-conservative amino acid change located in the TLDc domain (IPR006571) of the encoded protein sequence. Four of five in-silico tools predict a damaging effect of the variant on protein function. The variant allele was found at a frequency of 2.7e-05 in 183122 control chromosomes (gnomAD). c.1499C>T has been reported in the literature as a compound heterozygous genotype in multiple individuals affected with TBC1D24-Related Disorders, including several cases where it was confirmed to be in trans with a pathogenic variant (e.g. Balestrini_2016, Luthy_2019, Burgess_2019). These data indicate that the variant is very likely to be associated with disease. To our knowledge, no experimental evidence demonstrating an impact on protein function has been reported. The following publications have been ascertained in the context of this evaluation (PMID: 27281533, 31618474, 31257402). Six submitters have cited clinical-significance assessments for this variant to ClinVar after 2014. All submitters classified the variant as pathogenic/likely pathogenic. Based on the evidence outlined above, the variant was classified as pathogenic.

GeneDx
Classification: Pathogenic. Last evaluated: 2022-08-17. Review status: criteria provided, single submitter. Criteria: GeneDx Variant Classification Process June 2021. Collection method: clinical testing. Allele origin: germline. Affected: yes.
Comment: In silico analysis supports that this missense variant has a deleterious effect on protein structure/function; This variant is associated with the following publications: (PMID: 28428906, 30108545, 31112829, 30945278, 30180405, 27281533, 31257402, 33333793, 31618474)

MGZ Medical Genetics Center
Classification: Likely pathogenic for Rolandic epilepsy-paroxysmal exercise-induced dystonia-writer's cramp syndrome. Last evaluated: 2022-04-29. Review status: criteria provided, single submitter. Criteria: ACMG Guidelines, 2015. Collection method: clinical testing. Allele origin: germline. Affected: yes. Observed: 1 variant allele.
Comment: ACMG criteria applied: PS4, PM3, PM2_SUP

Revvity Omics, Revvity
Classification: Pathogenic. Last evaluated: 2022-02-15. Review status: criteria provided, single submitter. Criteria: ACMG Guidelines, 2015. Collection method: clinical testing. Allele origin: germline.

Department of Reproductive Genetics, International Peace Maternity and Child Health Hospital, Shanghai Jiao Tong University School of Medicine
Classification: Pathogenic for Epilepsy. Last evaluated: 2025-05-01. Review status: no assertion criteria provided. Collection method: clinical testing. Allele origin: inherited. Affected: yes. Not counted in ClinVar's aggregate classification.
Comment: The NM_001199107.2(TBC1D24):c.1499C>T(p.Ala500Val) variant causes a missense change. The variant allele was found at a frequency of 0.0000101 in 1,579,916 control chromosomes in the GnomAD database, with no homozygous occurrence. This variant has been reported in the literature as a compound heterozygous state in multiple patients (PMID:31112829; 30108545). Variant has been reported in ClinVar as pathogenic or Likely pathogenic (ID:419296)

Clinical Genomics Laboratory, Stanford Medicine
Classification: Pathogenic. Last evaluated: 2020-04-03. Review status: no assertion criteria provided. Collection method: clinical testing. Allele origin: germline. Inheritance: Autosomal recessive inheritance. Affected: yes. Not counted in ClinVar's aggregate classification.
Comment: The p.Ala500Val variant in the TBC1D24 gene has been previously reported in at least 8 unrelated individual(s) with TBC1D24-associated disorders (Balestrini et al., 2016; GeneDx, personal communication, March 20, 2020; Li et al., 2018; Luthy et al., 2019; Zhang et al., 2019). All affected individuals were homozygous or compound heterozygous. This variant was determined to be in trans with three likely pathogenic/pathogenic variants (p.Ile81_Lys84del; p.Ser473Argfs*43; p.Gln385Ter), consistent with autosomal recessive inheritance (Li et al., 2018; Luthy et al., 2019; Zhang et al., 2019). The presence of this variant with likely disease-causing variants on the opposite allele increases suspicion for its pathogenicity. Computational tools predict that the p.Ala500Val variant is deleterious; however, the accuracy of in silico algorithms is limited. This variant has been identified in the East Asian population in 7/15,658 chromosomes by the Genome Aggregation Database. Although this variant has been seen in the general population, its frequency is low enough to be consistent with a recessive carrier frequency. These data were assessed using the ACMG/AMP variant interpretation guidelines. In summary, there is sufficient evidence to classify the p.Ala500Val variant as pathogenic for autosomal recessive TBC1D24-associated disorders based on the information above.[ACMG evidence codes used: PM2; PM3_verystrong; PP3]

OMIM
Classification: Pathogenic for EPILEPSY, ROLANDIC, WITH PAROXYSMAL EXERCISE-INDUCED DYSTONIA AND WRITER'S CRAMP. Last evaluated: 2019-08-09. Review status: no assertion criteria provided. Collection method: literature only. Allele origin: germline. Not counted in ClinVar's aggregate classification.

Literature cited by the submitters: PubMed 33333793 (cited by 3billion); PubMed 31112829 (cited by 3 submitters); PubMed 27281533 (cited by 3 submitters); PubMed 31257402 (cited by 4 submitters); PubMed 30108545 (cited by 3 submitters); PubMed 31618474 (cited by Women's Health and Genetics/Laboratory Corporation of America, LabCorp).

NM_001199107.2(TBC1D24):c.1499C>T (p.Ala500Val)

Gene: TBC1D24 (TBC1 domain family member 24; plus strand). Cytogenetic location: 16p13.3.
Variant type: single nucleotide variant.
Coding change: c.1499C>T on transcript NM_001199107.2 (MANE Select); coding-DNA position 1499, C replaced by T.
Protein change: p.Ala500Val; replaces alanine 500 with valine.
Molecular consequence: missense variant.
Genome position (GRCh38, 1-based): chr16:2,500,464, C>T. VCF-style: chr16-2500464-C-T. GRCh37 (hg19) VCF-style: chr16-2550465-C-T.
Other names: c.1481C>T, p.Ala494Val (NM_020705.3); short protein forms A500V, A494V.
Identifiers: ClinVar variation 419296 (VCV000419296.20), dbSNP rs564477999, ClinGen allele CA16620172.